The following is an entry in ClinVar:

NM_177438.3(DICER1):c.955G>A (p.Asp319Asn)

Gene: DICER1 (dicer 1, ribonuclease III; minus strand). Cytogenetic location: 14q32.13.
Variant type: single nucleotide variant.
Coding change: c.955G>A on transcript NM_177438.3 (MANE Select); coding-DNA position 955, G replaced by A.
Protein change: p.Asp319Asn; replaces aspartic acid 319 with asparagine.
Molecular consequence: missense variant.
Genome position (GRCh38, 1-based): chr14:95,124,617, C>T on the plus strand (G>A on the coding strand, the complement: DICER1 is on the minus strand). VCF-style: chr14-95124617-C-T. GRCh37 (hg19) VCF-style: chr14-95590954-C-T.
Other names: c.955G>A, p.Asp319Asn (NM_001195573.1, NM_001271282.3, NM_001291628.2 and 1 more transcripts); short protein forms D319N.
Identifiers: ClinVar variation 1046266 (VCV001046266.10), dbSNP rs1893246758, ClinGen allele CA390887297.

ClinVar aggregate classification (germline): Uncertain significance (1 of 4 stars; one submission).

Conditions:
DICER1-related tumor predisposition. Also called: DICER1 syndrome; DICER1-related pleuropulmonary blastoma cancer predisposition syndrome. Identifiers: Orphanet 284343, MedGen C3839822, MONDO:0100216.

Submission:

Labcorp Genetics (formerly Invitae), Labcorp
Classification: Uncertain significance for DICER1-related tumor predisposition. Last evaluated: 2020-02-21. Review status: criteria provided, single submitter. Criteria: Invitae Variant Classification Sherloc (09022015). Collection method: clinical testing. Allele origin: germline.
Comment: In summary, the available evidence is currently insufficient to determine the role of this variant in disease. Therefore, it has been classified as a Variant of Uncertain Significance. This sequence change replaces aspartic acid with asparagine at codon 319 of the DICER1 protein (p.Asp319Asn). The aspartic acid residue is highly conserved and there is a small physicochemical difference between aspartic acid and asparagine. This variant is not present in population databases (ExAC no frequency). This variant has not been reported in the literature in individuals with DICER1-related conditions. Algorithms developed to predict the effect of missense changes on protein structure and function are either unavailable or do not agree on the potential impact of this missense change (SIFT: "Tolerated"; PolyPhen-2: "Probably Damaging"; Align-GVGD: "Class C0").